The following is an entry in ClinVar:

NM_001963.6(EGF):c.3521C>A (p.Thr1174Asn)

Gene: EGF (epidermal growth factor; plus strand). Cytogenetic location: 4q25.
Variant type: single nucleotide variant.
Coding change: c.3521C>A on transcript NM_001963.6 (MANE Select); coding-DNA position 3521, C replaced by A.
Protein change: p.Thr1174Asn; replaces threonine 1174 with asparagine.
Molecular consequence: missense variant. On other transcripts: 3 prime UTR variant (1).
Genome position (GRCh38, 1-based): chr4:110,011,352, C>A. VCF-style: chr4-110011352-C-A. GRCh37 (hg19) VCF-style: chr4-110932508-C-A.
Other names: p.Thr1174Asn; c.3398C>A, p.Thr1133Asn (NM_001178130.3); c.3395C>A, p.Thr1132Asn (NM_001178131.3); c.*40C>A (NM_001357021.2); short protein forms T1174N, T1132N, T1133N.
Identifiers: ClinVar variation 347260 (VCV000347260.18), dbSNP rs28592692, ClinGen allele CA3044302.

ClinVar aggregate classification (germline): Benign/Likely benign. Review status: criteria provided, multiple submitters, no conflicts (2 of 4 stars). 6 submissions from 6 submitters: Benign (2); Likely benign (3). 1 of the submissions does not count toward it. Last evaluated 2025-12-31.

Conditions:
Renal hypomagnesemia 4. Also called: HYPOMAGNESEMIA, RENAL, NORMOCALCIURIC. Identifiers: Orphanet 34527, MedGen C2673648, MONDO:0012717, OMIM 611718.
EGF-related disorder. Also called: EGF-related condition.

Allele frequency attached by ClinVar (database versions not stated): gnomAD exomes 0.00092 and 0.00225; ExAC 0.00263; gnomAD 0.00790 and 0.00844; TOPMed 0.00837; 1000 Genomes Project 0.00899; ESP Exome Variant Server 0.00900; 1000 Genomes Project 30x 0.01031.
gnomAD v4.1: 2,621 of 1,614,126 alleles (0.16%); highest among the groups gnomAD compares: African/African-American, 2.7%; 38 homozygotes.

Submissions (6):

Labcorp Genetics (formerly Invitae), Labcorp
Classification: Benign. Last evaluated: 2025-12-31. Review status: criteria provided, single submitter. Criteria: Invitae Variant Classification Sherloc (09022015). Collection method: clinical testing. Allele origin: germline.

Mayo Clinic Laboratories, Mayo Clinic
Classification: Benign. Last evaluated: 2025-07-26. Review status: criteria provided, single submitter. Criteria: ACMG Guidelines, 2015. Collection method: clinical testing. Allele origin: germline. Observed: 1 variant allele.
Comment: BS1, BS2, BP4_moderate

GeneDx
Classification: Likely benign. Last evaluated: 2020-02-03. Review status: criteria provided, single submitter. Criteria: GeneDx Variant Classification Process June 2021. Collection method: clinical testing. Allele origin: germline. Affected: yes.

Illumina Laboratory Services, Illumina
Classification: Likely benign for Renal hypomagnesemia 4. Last evaluated: 2017-04-27. Review status: criteria provided, single submitter. Criteria: ICSL Variant Classification Criteria 13 December 2019. Collection method: clinical testing. Allele origin: germline.
Comment: This variant was observed as part of a predisposition screen in an ostensibly healthy population. A literature search was performed for the gene, cDNA change, and amino acid change (where applicable). No publications were found based on this search. Allele frequency data from public databases allowed determination this variant is unlikely to cause disease. Therefore, this variant is classified as likely benign.

Breakthrough Genomics
Classification: Likely benign. Review status: criteria provided, single submitter. Criteria: ACMG Guidelines, 2015. Collection method: not provided. Allele origin: germline. Inheritance: Autosomal recessive inheritance. Affected: yes.

PreventionGenetics, part of Exact Sciences
Classification: Benign for EGF-related condition. Last evaluated: 2019-09-19. Review status: no assertion criteria provided. Collection method: clinical testing. Allele origin: germline. Not counted in ClinVar's aggregate classification.
Comment: This variant is classified as benign based on ACMG/AMP sequence variant interpretation guidelines (Richards et al. 2015 PMID: 25741868, with internal and published modifications).